The following is an entry in ClinVar:

NM_000903.3(NQO1):c.733G>C (p.Asp245His)

Gene: NQO1 (NAD(P)H quinone dehydrogenase 1; minus strand). Cytogenetic location: 16q22.1.
Variant type: single nucleotide variant.
Coding change: c.733G>C on transcript NM_000903.3 (MANE Select); coding-DNA position 733, G replaced by C.
Protein change: p.Asp245His; replaces aspartic acid 245 with histidine.
Molecular consequence: missense variant.
Genome position (GRCh38, 1-based): chr16:69,711,068, C>G on the plus strand (G>C on the coding strand, the complement: NQO1 is on the minus strand). VCF-style: chr16-69711068-C-G. GRCh37 (hg19) VCF-style: chr16-69744971-C-G.
Other names: c.631G>C, p.Asp211His (NM_001025433.2); c.619G>C, p.Asp207His (NM_001025434.2); c.517G>C, p.Asp173His (NM_001286137.2); short protein forms D245H, D173H, D207H, D211H.
Identifiers: ClinVar variation 1758407 (VCV001758407.2), dbSNP rs2544317982, ClinGen allele CA396487492.
Genomic context (GRCh38, chr16:69,711,068, plus strand): 5'-GGATGGACTTGCCCAAGTGATGGCCCACAGAAAGGCCAAATTTCTTGTTTTTCTCCTCAT[C>G]CTGTACCTCTTTTTTCATTAAGAATCCTGCCTGGAAGTTTAGGTCAAAGAGGCTGCTTGG-3'
Protein context (NP_000894.1, residues 235-255): AGFLMKKEVQ[Asp245His]EEKNKKFGLS

ClinVar aggregate classification (germline): Uncertain significance (1 of 4 stars; one submission).

Submission:

Ambry Genetics
Classification: Uncertain significance. Last evaluated: 2022-03-04. Review status: criteria provided, single submitter. Criteria: Ambry Variant Classification Scheme 2023. Collection method: clinical testing. Allele origin: germline.
Comment: The p.D245H variant (also known as c.733G>C), located in coding exon 6 of the NQO1 gene, results from a G to C substitution at nucleotide position 733. The aspartic acid at codon 245 is replaced by histidine, an amino acid with similar properties. This amino acid position is conserved. In addition, this alteration is predicted to be tolerated by in silico analysis. Since supporting evidence is limited at this time, the clinical significance of this alteration remains unclear.